The following is an entry in ClinVar:

NM_003482.4(KMT2D):c.5468-10T>A

Gene: KMT2D (lysine methyltransferase 2D; minus strand). Cytogenetic location: 12q13.12.
Variant type: single nucleotide variant.
Coding change: c.5468-10T>A on transcript NM_003482.4 (MANE Select); 10 bases into the intron before coding-DNA position 5468, T replaced by A.
Molecular consequence: intron variant.
Genome position (GRCh38, 1-based): chr12:49,043,438, A>T on the plus strand (T>A on the coding strand, the complement: KMT2D is on the minus strand). VCF-style: chr12-49043438-A-T. GRCh37 (hg19) VCF-style: chr12-49437221-A-T.
Identifiers: ClinVar variation 4982135 (VCV004982135.1).

ClinVar aggregate classification (germline): Likely benign (1 of 4 stars; one submission).

Conditions:
KMT2D-related disorder. Also called: KMT2D-Related Disorders.

Submission:

PreventionGenetics, part of Exact Sciences
Classification: Likely benign for KMT2D-related condition. Last evaluated: 2025-02-27. Review status: criteria provided, single submitter. Criteria: ACMG Guidelines, 2015. Collection method: clinical testing. Allele origin: germline.
Comment: This variant is classified as likely benign based on ACMG/AMP sequence variant interpretation guidelines (Richards et al. 2015 PMID: 25741868, with internal and published modifications).